The following is an entry in ClinVar:

NM_016239.4(MYO15A):c.3363G>A (p.Val1121=)

Gene: MYO15A (myosin XVA; plus strand). Cytogenetic location: 17p11.2.
Variant type: single nucleotide variant.
Coding change: c.3363G>A on transcript NM_016239.4 (MANE Select); coding-DNA position 3363, G replaced by A.
Protein change: p.Val1121=; no amino-acid change (valine 1121 retained).
Molecular consequence: synonymous variant.
Genome position (GRCh38, 1-based): chr17:18,122,163, G>A. VCF-style: chr17-18122163-G-A. GRCh37 (hg19) VCF-style: chr17-18025477-G-A.
Identifiers: ClinVar variation 786647 (VCV000786647.13), dbSNP rs201197589, ClinGen allele CA8423448.
Genomic context (GRCh38, chr17:18,122,163, plus strand): 5'-CAAGGGGGGTGAACGGCGCCAGGCAGCCCCTGGGCGTTTTGCTGTGGTCATGCCTCGTGT[G>A]CAGAAGCTGAGCTCTTTCCAGCGAGTTGGGCCTGCAACCCTGAAGCCTCAAGTCCAGCCC-3'
Protein context (NP_057323.3, residues 1111-1131): PGRFAVVMPR[Val1121=]QKLSSFQRVG

ClinVar aggregate classification (germline): Likely benign. Review status: criteria provided, multiple submitters, no conflicts (2 of 4 stars). 4 submissions from 4 submitters: Likely benign (3). 1 of the submissions does not count toward it. Last evaluated 2025-06-03.

Conditions:
MYO15A-related disorder. Also called: MYO15A-related condition.

Allele frequency attached by ClinVar (database versions not stated): gnomAD exomes 0.00007 and 0.00019; ExAC 0.00021; gnomAD 0.00059 and 0.00063; ESP Exome Variant Server 0.00064; TOPMed 0.00068; 1000 Genomes Project 0.00080; 1000 Genomes Project 30x 0.00094.
gnomAD v4.1: 193 of 1,613,094 alleles (0.012%); highest among the groups gnomAD compares: African/African-American, 0.23%; no homozygotes.

Submissions (4):

Labcorp Genetics (formerly Invitae), Labcorp
Classification: Likely benign. Last evaluated: 2025-06-03. Review status: criteria provided, single submitter. Criteria: Invitae Variant Classification Sherloc (09022015). Collection method: clinical testing. Allele origin: germline.

Blueprint Genetics
Classification: Likely benign. Last evaluated: 2023-12-18. Review status: criteria provided, single submitter. Criteria: ACMG Guidelines, 2015. Collection method: clinical testing. Allele origin: germline.

GeneDx
Classification: Likely benign. Last evaluated: 2021-01-26. Review status: criteria provided, single submitter. Criteria: GeneDx Variant Classification Process June 2021. Collection method: clinical testing. Allele origin: germline. Affected: yes.

PreventionGenetics, part of Exact Sciences
Classification: Likely benign for MYO15A-related condition. Last evaluated: 2019-12-10. Review status: no assertion criteria provided. Collection method: clinical testing. Allele origin: germline. Not counted in ClinVar's aggregate classification.
Comment: This variant is classified as likely benign based on ACMG/AMP sequence variant interpretation guidelines (Richards et al. 2015 PMID: 25741868, with internal and published modifications).